The following is an entry in ClinVar:

NM_015909.4(NBAS):c.4376T>G (p.Ile1459Ser)

Gene: NBAS (NBAS subunit of NRZ tethering complex; minus strand). Cytogenetic location: 2p24.3.
Variant type: single nucleotide variant.
Coding change: c.4376T>G on transcript NM_015909.4 (MANE Select); coding-DNA position 4376, T replaced by G.
Protein change: p.Ile1459Ser; replaces isoleucine 1459 with serine.
Molecular consequence: missense variant. On other transcripts: non-coding transcript variant (1).
Genome position (GRCh38, 1-based): chr2:15,328,284, A>C on the plus strand (T>G on the coding strand, the complement: NBAS is on the minus strand). VCF-style: chr2-15328284-A-C. GRCh37 (hg19) VCF-style: chr2-15468408-A-C.
Other names: p.Ile1459Ser; c.4376T>G (NM_015909.2); short protein forms I1459S.
Identifiers: ClinVar variation 1506404 (VCV001506404.8), dbSNP rs774830142, ClinGen allele CA1535669.
Genomic context (GRCh38, chr2:15,328,284, plus strand): 5'-ACAGATTCATAAAAAGGATGACACCCTTGTTTCTCTAGATCTTCATTGGCTGTAGTTCCG[A>C]TTTGATATGCACCACCACATTTTTGCCCCTAAAAAGAAAAAAAGTACAGAACAATGGATA-3'
Protein context (NP_056993.2, residues 1449-1469): QGQKCGGAYQ[Ile1459Ser]GTTANEDLEK

ClinVar aggregate classification (germline): Uncertain significance. Review status: criteria provided, multiple submitters, no conflicts (2 of 4 stars). 3 submissions from 3 submitters: Uncertain significance (3). Last evaluated 2025-04-02.

Conditions:
Inborn genetic diseases. Identifiers: MedGen C0950123, MeSH D030342.

Allele frequency attached by ClinVar (database versions not stated): gnomAD exomes below 0.00001 and 0.00001; ExAC 0.00001.
gnomAD v4.1: 8 of 1,613,920 alleles (0.0005%); highest among the groups gnomAD compares: South Asian, 0.0011%; no homozygotes.

Submissions (3):

Mayo Clinic Laboratories, Mayo Clinic
Classification: Uncertain significance. Last evaluated: 2025-04-02. Review status: criteria provided, single submitter. Criteria: ACMG Guidelines, 2015. Collection method: clinical testing. Allele origin: germline. Observed: 1 variant allele.
Comment: BP4_moderate

Ambry Genetics
Classification: Uncertain significance for Inborn genetic diseases. Last evaluated: 2021-08-02. Review status: criteria provided, single submitter. Criteria: Ambry Variant Classification Scheme 2023. Collection method: clinical testing. Allele origin: germline.

Labcorp Genetics (formerly Invitae), Labcorp
Classification: Uncertain significance. Last evaluated: 2021-04-26. Review status: criteria provided, single submitter. Criteria: Invitae Variant Classification Sherloc (09022015). Collection method: clinical testing. Allele origin: germline.
Comment: In summary, the available evidence is currently insufficient to determine the role of this variant in disease. Therefore, it has been classified as a Variant of Uncertain Significance. Algorithms developed to predict the effect of sequence changes on RNA splicing suggest that this variant may create or strengthen a splice site, but this prediction has not been confirmed by published transcriptional studies. Algorithms developed to predict the effect of missense changes on protein structure and function output the following: SIFT: "Deleterious"; PolyPhen-2: "Benign"; Align-GVGD: "Class C65". The serine amino acid residue is found in multiple mammalian species, suggesting that this missense change does not adversely affect protein function. These predictions have not been confirmed by published functional studies and their clinical significance is uncertain. This variant has not been reported in the literature in individuals with NBAS-related conditions. This variant is present in population databases (rs774830142, ExAC 0.006%). This sequence change replaces isoleucine with serine at codon 1459 of the NBAS protein (p.Ile1459Ser). The isoleucine residue is highly conserved and there is a large physicochemical difference between isoleucine and serine.